The following is an entry in ClinVar:

ClinVar aggregate classification (germline): Uncertain significance (1 of 4 stars; one submission).

gnomAD v4.1: 1 of 1,614,154 alleles (0.000062%); highest among the groups gnomAD compares: Non-Finnish European, 0.000085%; no homozygotes.

Submission:

Labcorp Genetics (formerly Invitae), Labcorp
Classification: Uncertain significance. Last evaluated: 2022-03-02. Review status: criteria provided, single submitter. Criteria: Invitae Variant Classification Sherloc (09022015). Collection method: clinical testing. Allele origin: germline.
Comment: This sequence change falls in intron 31 of the CNGB1 gene. It does not directly change the encoded amino acid sequence of the CNGB1 protein. It affects a nucleotide within the consensus splice site. This variant is not present in population databases (gnomAD no frequency). This variant has not been reported in the literature in individuals affected with CNGB1-related conditions. Variants that disrupt the consensus splice site are a relatively common cause of aberrant splicing (PMID: 17576681, 9536098). Algorithms developed to predict the effect of sequence changes on RNA splicing suggest that this variant is not likely to affect RNA splicing. In summary, the available evidence is currently insufficient to determine the role of this variant in disease. Therefore, it has been classified as a Variant of Uncertain Significance.

Literature cited by the submitters: PubMed 17576681; PubMed 9536098.

NM_001297.5(CNGB1):c.3242+6T>C

Gene: CNGB1 (cyclic nucleotide gated channel subunit beta 1; minus strand). Cytogenetic location: 16q21.
Variant type: single nucleotide variant.
Coding change: c.3242+6T>C on transcript NM_001297.5 (MANE Select); 6 bases into the intron after coding-DNA position 3242, T replaced by C.
Molecular consequence: intron variant.
Genome position (GRCh38, 1-based): chr16:57,897,391, A>G on the plus strand (T>C on the coding strand, the complement: CNGB1 is on the minus strand). VCF-style: chr16-57897391-A-G. GRCh37 (hg19) VCF-style: chr16-57931295-A-G.
Other names: c.3224+6T>C (NM_001286130.2).
Identifiers: ClinVar variation 2105590 (VCV002105590.4), dbSNP rs2544611924, ClinGen allele CA2580091771.